The following is an entry in ClinVar:

ClinVar aggregate classification (germline): Uncertain significance. Review status: criteria provided, multiple submitters, no conflicts (2 of 4 stars). 2 submissions from 2 submitters: Uncertain significance (2). Last evaluated 2025-10-26.

Conditions:
Hypertrophic cardiomyopathy. Also called: HYPERTROPHIC MYOCARDIOPATHY. Identifiers: Orphanet 217569, MedGen C0007194, MeSH D002312, MONDO:0005045, HP:0001639.

gnomAD v4.1: 1 of 1,610,638 alleles (0.000062%); highest among the groups gnomAD compares: Non-Finnish European, 0.000085%; no homozygotes.

Submissions (2):

Labcorp Genetics (formerly Invitae), Labcorp
Classification: Uncertain significance for Hypertrophic cardiomyopathy. Last evaluated: 2025-10-26. Review status: criteria provided, single submitter. Criteria: Invitae Variant Classification Sherloc (09022015). Collection method: clinical testing. Allele origin: germline.
Comment: This sequence change replaces glutamic acid, which is acidic and polar, with lysine, which is basic and polar, at codon 62 of the TNNI3 protein (p.Glu62Lys). This variant is not present in population databases (gnomAD no frequency). This variant has not been reported in the literature in individuals affected with TNNI3-related conditions. ClinVar contains an entry for this variant (Variation ID: 454402). An algorithm developed specifically for the TNNI3 gene suggests that this missense change is likely to be deleterious (PMID: 21310275). In summary, the available evidence is currently insufficient to determine the role of this variant in disease. Therefore, it has been classified as a Variant of Uncertain Significance.

Stanford Center for Inherited Cardiovascular Disease, Stanford University
Classification: Uncertain significance. Last evaluated: 2017-12-04. Review status: criteria provided, single submitter. Criteria: ACMG Guidelines, 2015. Collection method: provider interpretation. Allele origin: germline.

Literature cited by the submitters: PubMed 21310275 (cited by Labcorp Genetics (formerly Invitae), Labcorp).

NM_000363.5(TNNI3):c.184G>A (p.Glu62Lys)

Gene: TNNI3 (troponin I3, cardiac type; minus strand). Cytogenetic location: 19q13.42.
Variant type: single nucleotide variant.
Coding change: c.184G>A on transcript NM_000363.5 (MANE Select); coding-DNA position 184, G replaced by A.
Protein change: p.Glu62Lys; replaces glutamic acid 62 with lysine.
Molecular consequence: missense variant.
Genome position (GRCh38, 1-based): chr19:55,156,299, C>T on the plus strand (G>A on the coding strand, the complement: TNNI3 is on the minus strand). VCF-style: chr19-55156299-C-T. GRCh37 (hg19) VCF-style: chr19-55667667-C-T.
Other names: c.184G>A (LRG_432t1); short protein forms E62K.
Identifiers: ClinVar variation 454402 (VCV000454402.12), dbSNP rs1357844466, ClinGen allele CA407441938.
Genomic context (GRCh38, chr19:55,156,299, plus strand): 5'-GCTGGCAGCGGGTGCTCAGAGCGCGCCCCTTCTCTCCGCGCCGCTCCTCCGCCTCTCGCT[C>T]CAGCTCTTGCTTTGCAATCTGCAGCAGCAGAGTCTGCAGAGGGGTGGGAGGGAAGCGCAG-3'
Protein context (NP_000354.4, residues 52-72): LLLQIAKQEL[Glu62Lys]REAEERRGEK